The following is an entry in ClinVar:

NM_000059.4(BRCA2):c.2380A>G (p.Met794Val)

Gene: BRCA2 (BRCA2 DNA repair associated; plus strand). Cytogenetic location: 13q13.1.
Variant type: single nucleotide variant.
Coding change: c.2380A>G on transcript NM_000059.4 (MANE Select); coding-DNA position 2380, A replaced by G.
Protein change: p.Met794Val; replaces methionine 794 with valine.
Molecular consequence: missense variant.
Genome position (GRCh38, 1-based): chr13:32,336,735, A>G. VCF-style: chr13-32336735-A-G. GRCh37 (hg19) VCF-style: chr13-32910872-A-G.
Other names: short protein forms M794V.
Identifiers: ClinVar variation 187316 (VCV000187316.21), dbSNP rs786203635, ClinGen allele CA015089.

ClinVar aggregate classification (germline): Conflicting classifications of pathogenicity. Review status: criteria provided, conflicting classifications (1 of 4 stars). 7 submissions from 7 submitters: Uncertain significance (6); Likely benign (1). Last evaluated 2025-12-22.

Conditions:
BRCA2-related cancer predisposition. Identifiers: MedGen CN377758, MONDO:0700269.
Hereditary cancer-predisposing syndrome. Also called: Neoplastic Syndromes, Hereditary; Tumor predisposition; Hereditary Cancer Syndrome; Hereditary neoplastic syndrome. Identifiers: Orphanet 140162, MedGen C0027672, MeSH D009386, MONDO:0015356.
Hereditary breast ovarian cancer syndrome. Also called: Hereditary breast and ovarian cancer; Hereditary breast and/or ovarian cancer syndrome; BRCA1- and BRCA2-Associated Hereditary Breast and Ovarian Cancer; Hereditary breast and ovarian cancer syndrome (HBOC); Hereditary breast and ovarian cancer syndrome; Breast and ovarian cancer. Identifiers: Orphanet 145, MedGen C0677776, MeSH D061325, MONDO:0003582. Disease mechanism: loss of function.

Allele frequency attached by ClinVar (database versions not stated): gnomAD exomes below 0.00001 and 0.00001; TOPMed 0.00002.
gnomAD v4.1: 3 of 1,614,020 alleles (0.00019%); highest among the groups gnomAD compares: Admixed American, 0.0033%; no homozygotes.

Submissions (7):

Labcorp Genetics (formerly Invitae), Labcorp
Classification: Uncertain significance for Hereditary breast ovarian cancer syndrome. Last evaluated: 2025-12-22. Review status: criteria provided, single submitter. Criteria: Invitae Variant Classification Sherloc (09022015). Collection method: clinical testing. Allele origin: germline.
Comment: This sequence change replaces methionine, which is neutral and non-polar, with valine, which is neutral and non-polar, at codon 794 of the BRCA2 protein (p.Met794Val). This variant is present in population databases (rs786203635, gnomAD 0.006%). This variant has not been reported in the literature in individuals affected with BRCA2-related conditions. ClinVar contains an entry for this variant (Variation ID: 187316). Invitae Evidence Modeling of protein sequence and biophysical properties (such as structural, functional, and spatial information, amino acid conservation, physicochemical variation, residue mobility, and thermodynamic stability) indicates that this missense variant is not expected to disrupt BRCA2 protein function with a negative predictive value of 95%. In summary, the available evidence is currently insufficient to determine the role of this variant in disease. Therefore, it has been classified as a Variant of Uncertain Significance.

Quest Diagnostics Nichols Institute San Juan Capistrano
Classification: Uncertain significance. Last evaluated: 2025-04-04. Review status: criteria provided, single submitter. Criteria: Quest Diagnostics criteria. Collection method: clinical testing. Allele origin: unknown.
Comment: The BRCA2 c.2380A>G (p.Met794Val) variant has been reported in the published literature in an individual undergoing hereditary cancer testing (PMID: 31853058 (2020)), and described to be located in a region of the BRCA2 gene that is tolerant to missense sequence changes (PMID: 31911673 (2020)). The frequency of this variant in the general population (Genome Aggregation Database) is uninformative in the assessment of its pathogenicity. Analysis of this variant using bioinformatics tools for the prediction of the effect of amino acid changes on protein structure and function yielded predictions that this variant is benign. Based on the available information, we are unable to determine the clinical significance of this variant.

Ambry Genetics
Classification: Uncertain significance for Hereditary cancer-predisposing syndrome. Last evaluated: 2025-03-31. Review status: criteria provided, single submitter. Criteria: Ambry Variant Classification Scheme 2023. Collection method: clinical testing. Allele origin: germline.
Comment: The p.M794V variant (also known as c.2380A>G), located in coding exon 10 of the BRCA2 gene, results from an A to G substitution at nucleotide position 2380. The methionine at codon 794 is replaced by valine, an amino acid with highly similar properties. This amino acid position is not well conserved in available vertebrate species. In addition, this alteration is predicted to be tolerated by in silico analysis. Since supporting evidence is limited at this time, the clinical significance of this alteration remains unclear.

All of Us Research Program, National Institutes of Health
Classification: Uncertain significance for BRCA2-related cancer predisposition. Last evaluated: 2024-05-14. Review status: criteria provided, single submitter. Criteria: ACMG Guidelines, 2015. Collection method: clinical testing. Allele origin: germline. Inheritance: Autosomal dominant inheritance. Observed: 1 variant allele, 1 heterozygote.
Comment: This missense variant replaces methionine with valine at codon 794 of the BRCA2 protein. Computational prediction suggests that this variant may not impact protein structure and function. To our knowledge, functional studies have not been reported for this variant. This variant has not been reported in individuals affected with BRCA2-related disorders in the literature. This variant has been identified in 2/250466 chromosomes in the general population by the Genome Aggregation Database (gnomAD). The available evidence is insufficient to determine the role of this variant in disease conclusively. Therefore, this variant is classified as a Variant of Uncertain Significance.

This study involves interpretation of variants in research participants for the purpose of population health screening. Participant phenotype was not available at the time of variant classification. Additional details can be found in publication PMID: 35346344, PMCID: PMC8962531

Color Diagnostics, LLC DBA Color Health
Classification: Uncertain significance for Hereditary cancer-predisposing syndrome. Last evaluated: 2024-04-23. Review status: criteria provided, single submitter. Criteria: ACMG Guidelines, 2015. Collection method: clinical testing. Allele origin: germline.
Comment: This missense variant replaces methionine with valine at codon 794 of the BRCA2 protein. Computational prediction suggests that this variant may not impact protein structure and function. To our knowledge, functional studies have not been reported for this variant. This variant has not been reported in individuals affected with BRCA2-related disorders in the literature. This variant has been identified in 2/250466 chromosomes in the general population by the Genome Aggregation Database (gnomAD). The available evidence is insufficient to determine the role of this variant in disease conclusively. Therefore, this variant is classified as a Variant of Uncertain Significance.

University of Washington Department of Laboratory Medicine, University of Washington
Classification: Likely benign for Hereditary cancer-predisposing syndrome. Last evaluated: 2023-03-23. Review status: criteria provided, single submitter. Criteria: Dines et al. (Genet Med. 2020). Collection method: curation. Allele origin: germline.
Comment: Missense variant in a coldspot region where missense variants are very unlikely to be pathogenic (PMID:31911673).

BRCA2 exon 11 coldspot. Reclassification based on statistical prior probability.

Women's Health and Genetics/Laboratory Corporation of America, LabCorp
Classification: Uncertain significance. Last evaluated: 2021-04-30. Review status: criteria provided, single submitter. Criteria: LabCorp Variant Classification Summary - May 2015. Collection method: clinical testing. Allele origin: germline.
Comment: Variant summary: BRCA2 c.2380A>G (p.Met794Val) results in a conservative amino acid change in the encoded protein sequence. Five of five in-silico tools predict a benign effect of the variant on protein function. The variant allele was found at a frequency of 8e-06 in 250466 control chromosomes (gnomAD). The available data on variant occurrences in the general population are insufficient to allow any conclusion about variant significance. To our knowledge, no occurrence of c.2380A>G in individuals affected with Hereditary Breast and Ovarian Cancer Syndrome and no experimental evidence demonstrating its impact on protein function have been reported. Three ClinVar submitters (evaluation after 2014) cite the variant as uncertain significance. Based on the evidence outlined above, the variant was classified as uncertain significance.

Literature cited by the submitters: PubMed 31911673 (cited by Quest Diagnostics Nichols Institute San Juan Capistrano); PubMed 31853058 (cited by Quest Diagnostics Nichols Institute San Juan Capistrano).